The following is an entry in ClinVar:

ClinVar aggregate classification (germline): Uncertain significance (1 of 4 stars; one submission).

Conditions:
Spastic paraplegia. Identifiers: MedGen C0037772, HP:0001258.

Submission:

Labcorp Genetics (formerly Invitae), Labcorp
Classification: Uncertain significance for Spastic paraplegia. Last evaluated: 2022-04-10. Review status: criteria provided, single submitter. Criteria: Invitae Variant Classification Sherloc (09022015). Collection method: clinical testing. Allele origin: germline.
Comment: In summary, the available evidence is currently insufficient to determine the role of this variant in disease. Therefore, it has been classified as a Variant of Uncertain Significance. This sequence change replaces methionine, which is neutral and non-polar, with isoleucine, which is neutral and non-polar, at codon 491 of the CYP2U1 protein (p.Met491Ile). This variant is not present in population databases (gnomAD no frequency). This variant has not been reported in the literature in individuals affected with CYP2U1-related conditions. Advanced modeling of protein sequence and biophysical properties (such as structural, functional, and spatial information, amino acid conservation, physicochemical variation, residue mobility, and thermodynamic stability) performed at Invitae indicates that this missense variant is not expected to disrupt CYP2U1 protein function.

NM_183075.3(CYP2U1):c.1473G>A (p.Met491Ile)

Gene: CYP2U1 (cytochrome P450 family 2 subfamily U member 1; plus strand). Cytogenetic location: 4q25.
Variant type: single nucleotide variant.
Coding change: c.1473G>A on transcript NM_183075.3 (MANE Select); coding-DNA position 1473, G replaced by A.
Protein change: p.Met491Ile; replaces methionine 491 with isoleucine.
Molecular consequence: missense variant.
Genome position (GRCh38, 1-based): chr4:107,950,261, G>A. VCF-style: chr4-107950261-G-A. GRCh37 (hg19) VCF-style: chr4-108871417-G-A.
Other names: short protein forms M491I.
Identifiers: ClinVar variation 2124331 (VCV002124331.4), dbSNP rs1429589893, ClinGen allele CA357839446.